The following is an entry in ClinVar:

ClinVar aggregate classification (germline): Uncertain significance (1 of 4 stars; one submission).

Conditions:
Muscular dystrophy-dystroglycanopathy (congenital with brain and eye anomalies), type a, 8 (MDDGA8). Also called: WALKER-WARBURG SYNDROME OR MUSCLE-EYE-BRAIN DISEASE, GTDC2-RELATED. Identifiers: Orphanet 899, MedGen C3553813, MONDO:0013904, OMIM 614830.

Allele frequency attached by ClinVar (database versions not stated): gnomAD exomes below 0.00001; TOPMed below 0.00001; ExAC 0.00001; gnomAD 0.00001.
gnomAD v4.1: 1 of 1,614,012 alleles (0.000062%); highest among the groups gnomAD compares: Non-Finnish European, 0.000085%; no homozygotes.

Submission:

Labcorp Genetics (formerly Invitae), Labcorp
Classification: Uncertain significance for Muscular dystrophy-dystroglycanopathy (congenital with brain and eye anomalies), type a, 8. Last evaluated: 2022-09-12. Review status: criteria provided, single submitter. Criteria: Invitae Variant Classification Sherloc (09022015). Collection method: clinical testing. Allele origin: germline.
Comment: Advanced modeling of protein sequence and biophysical properties (such as structural, functional, and spatial information, amino acid conservation, physicochemical variation, residue mobility, and thermodynamic stability) performed at Invitae indicates that this missense variant is not expected to disrupt POMGNT2 protein function. ClinVar contains an entry for this variant (Variation ID: 1386025). This variant has not been reported in the literature in individuals affected with POMGNT2-related conditions. This variant is present in population databases (rs770636157, gnomAD 0.0009%). This sequence change replaces alanine, which is neutral and non-polar, with valine, which is neutral and non-polar, at codon 189 of the POMGNT2 protein (p.Ala189Val). In summary, the available evidence is currently insufficient to determine the role of this variant in disease. Therefore, it has been classified as a Variant of Uncertain Significance. Algorithms developed to predict the effect of sequence changes on RNA splicing suggest that this variant may create or strengthen a splice site.

NM_032806.6(POMGNT2):c.566C>T (p.Ala189Val)

Gene: POMGNT2 (protein O-linked mannose N-acetylglucosaminyltransferase 2 (beta 1,4-); minus strand). Cytogenetic location: 3p22.1.
Variant type: single nucleotide variant.
Coding change: c.566C>T on transcript NM_032806.6 (MANE Select); coding-DNA position 566, C replaced by T.
Protein change: p.Ala189Val; replaces alanine 189 with valine.
Molecular consequence: missense variant.
Genome position (GRCh38, 1-based): chr3:43,080,866, G>A on the plus strand (C>T on the coding strand, the complement: POMGNT2 is on the minus strand). VCF-style: chr3-43080866-G-A. GRCh37 (hg19) VCF-style: chr3-43122358-G-A.
Other names: short protein forms A189V.
Identifiers: ClinVar variation 1386025 (VCV001386025.8), dbSNP rs770636157, ClinGen allele CA2340040.
Genomic context (GRCh38, chr3:43,080,866, plus strand): 5'-AGCAGCTTGTAGAGGTCGAAGTGTGCACCCTCGCCCCAGCCCTCCATGAAGAAGAGCCGT[G>A]CCTCGTGGGCCAGGCCGGGAAACTGCCGCAGGGTGTAGAAGAGTGGCAGCAGGTCGTCAT-3'
Protein context (NP_116195.2, residues 179-199): LRQFPGLAHE[Ala189Val]RLFFMEGWGE